The following is an entry in ClinVar:

NM_025233.7(COASY):c.1424T>C (p.Leu475Pro)

Gene: COASY (Coenzyme A synthase; plus strand). Cytogenetic location: 17q21.2.
Variant type: single nucleotide variant.
Coding change: c.1424T>C on transcript NM_025233.7 (MANE Select); coding-DNA position 1424, T replaced by C.
Protein change: p.Leu475Pro; replaces leucine 475 with proline.
Molecular consequence: missense variant.
Genome position (GRCh38, 1-based): chr17:42,565,507, T>C. VCF-style: chr17-42565507-T-C. GRCh37 (hg19) VCF-style: chr17-40717525-T-C.
Other names: c.1424T>C, p.Leu475Pro (NM_001042529.3); c.1511T>C, p.Leu504Pro (NM_001042532.4); c.1511T>C (NM_001042532.2); short protein forms L475P, L504P.
Identifiers: ClinVar variation 1003018 (VCV001003018.12), dbSNP rs145349142, ClinGen allele CA8578335.

ClinVar aggregate classification (germline): Uncertain significance. Review status: criteria provided, multiple submitters, no conflicts (2 of 4 stars). 2 submissions from 2 submitters: Uncertain significance (2). Last evaluated 2025-08-10.

Conditions:
Neurodegeneration with brain iron accumulation 6 (NBIA6). Also called: COASY protein-associated neurodegeneration. Identifiers: Orphanet 397725, MedGen C4517377, MONDO:0014290, OMIM 615643.

Allele frequency attached by ClinVar (database versions not stated): TOPMed 0.00003; gnomAD 0.00006.

Submissions (2):

Ambry Genetics
Classification: Uncertain significance. Last evaluated: 2025-08-10. Review status: criteria provided, single submitter. Criteria: Ambry Variant Classification Scheme 2023. Collection method: clinical testing. Allele origin: germline.

Labcorp Genetics (formerly Invitae), Labcorp
Classification: Uncertain significance for Neurodegeneration with brain iron accumulation 6. Last evaluated: 2020-02-02. Review status: criteria provided, single submitter. Criteria: Invitae Variant Classification Sherloc (09022015). Collection method: clinical testing. Allele origin: germline.
Comment: This variant is present in population databases (rs145349142, ExAC 0.01%). In summary, the available evidence is currently insufficient to determine the role of this variant in disease. Therefore, it has been classified as a Variant of Uncertain Significance. Algorithms developed to predict the effect of missense changes on protein structure and function are either unavailable or do not agree on the potential impact of this missense change (SIFT: "Deleterious"; PolyPhen-2: "Probably Damaging"; Align-GVGD: "Class C0"). This variant has not been reported in the literature in individuals with COASY-related conditions. This sequence change replaces leucine with proline at codon 475 of the COASY protein (p.Leu475Pro). The leucine residue is moderately conserved and there is a moderate physicochemical difference between leucine and proline.